The following is an entry in ClinVar:

NM_001288705.3(CSF1R):c.2908C>A (p.Gln970Lys)

Gene: CSF1R (colony stimulating factor 1 receptor; minus strand). Cytogenetic location: 5q32.
Variant type: single nucleotide variant.
Coding change: c.2908C>A on transcript NM_001288705.3 (MANE Select); coding-DNA position 2908, C replaced by A.
Protein change: p.Gln970Lys; replaces glutamine 970 with lysine.
Molecular consequence: missense variant. On other transcripts: non-coding transcript variant (2).
Genome position (GRCh38, 1-based): chr5:150,054,080, G>T on the plus strand (C>A on the coding strand, the complement: CSF1R is on the minus strand). VCF-style: chr5-150054080-G-T. GRCh37 (hg19) VCF-style: chr5-149433643-G-T.
Other names: c.2908C>A, p.Gln970Lys (NM_001349736.2, NM_001375320.1, NM_005211.4); c.2464C>A, p.Gln822Lys (NM_001375321.1); short protein forms Q970K, Q822K.
Identifiers: ClinVar variation 3680001 (VCV003680001.2).
Genomic context (GRCh38, chr5:150,054,080, plus strand): 5'-GAGTTGAAGTTTGTGGGAGGGGAGAGTGGTACTCCCTGTCGTCAACTCCTCAGCAGAACT[G>T]ATAGTTGTTGGGCTGCAGCAAGGGCTGGGCGATATCCCCTTGCTCGCAGCAGGTCAGGTG-3'
Protein context (NP_001275634.1, residues 960-972): AQPLLQPNNY[Gln970Lys]FC

ClinVar aggregate classification (germline): Uncertain significance (1 of 4 stars; one submission).

Submission:

Labcorp Genetics (formerly Invitae), Labcorp
Classification: Uncertain significance. Last evaluated: 2024-03-15. Review status: criteria provided, single submitter. Criteria: Invitae Variant Classification Sherloc (09022015). Collection method: clinical testing. Allele origin: germline.
Comment: This sequence change replaces glutamine, which is neutral and polar, with lysine, which is basic and polar, at codon 970 of the CSF1R protein (p.Gln970Lys). This variant is not present in population databases (gnomAD no frequency). This variant has not been reported in the literature in individuals affected with CSF1R-related conditions. Advanced modeling of protein sequence and biophysical properties (such as structural, functional, and spatial information, amino acid conservation, physicochemical variation, residue mobility, and thermodynamic stability) performed at Invitae indicates that this missense variant is not expected to disrupt CSF1R protein function with a negative predictive value of 95%. In summary, the available evidence is currently insufficient to determine the role of this variant in disease. Therefore, it has been classified as a Variant of Uncertain Significance.